The following is an entry in ClinVar:

NM_001193315.2(VIPAS39):c.1248G>A (p.Lys416=)

Gene: VIPAS39 (VPS33B interacting protein, apical-basolateral polarity regulator, spe-39 homolog; minus strand). Cytogenetic location: 14q24.3.
Variant type: single nucleotide variant.
Coding change: c.1248G>A on transcript NM_001193315.2 (MANE Select); coding-DNA position 1248, G replaced by A.
Protein change: p.Lys416=; no amino-acid change (lysine 416 retained).
Molecular consequence: synonymous variant. On other transcripts: non-coding transcript variant (1), intron variant (4).
Genome position (GRCh38, 1-based): chr14:77,429,699, C>T on the plus strand (G>A on the coding strand, the complement: VIPAS39 is on the minus strand). VCF-style: chr14-77429699-C-T. GRCh37 (hg19) VCF-style: chr14-77896042-C-T.
Other names: c.1248G>A, p.Lys416= (NM_001193314.2, NM_001193317.2, NM_001400326.1 and 2 more transcripts); c.1101G>A, p.Lys367= (NM_001193316.2, NM_001400324.1, NM_001400325.1); c.1215G>A, p.Lys405= (NM_001400327.1); c.1155G>A, p.Lys385= (NM_001400333.1, NM_001400334.1); c.1113G>A, p.Lys371= (NM_001400336.1); c.1008G>A, p.Lys336= (NM_001400337.1); c.963G>A, p.Lys321= (NM_001400339.1); c.988-604G>A (NM_001400338.1); and 2 more.
Identifiers: ClinVar variation 4772767 (VCV004772767.2).

ClinVar aggregate classification (germline): Conflicting classifications of pathogenicity. Review status: criteria provided, conflicting classifications (1 of 4 stars). 2 submissions from 2 submitters: Uncertain significance (1); Likely benign (1). Last evaluated 2025-06-25.

Conditions:
VIPAS39-related disorder. Also called: VIPAS39-related condition.

gnomAD v4.1: 1 of 1,614,168 alleles (0.000062%); no homozygotes.

Submissions (2):

Labcorp Genetics (formerly Invitae), Labcorp
Classification: Likely benign. Last evaluated: 2025-06-25. Review status: criteria provided, single submitter. Criteria: Invitae Variant Classification Sherloc (09022015). Collection method: clinical testing. Allele origin: germline.

PreventionGenetics, part of Exact Sciences
Classification: Uncertain significance for VIPAS39-related condition. Last evaluated: 2025-01-22. Review status: criteria provided, single submitter. Criteria: ACMG Guidelines, 2015. Collection method: clinical testing. Allele origin: germline.
Comment: The VIPAS39 c.1248G>A variant is not predicted to result in an amino acid change (p.=). This variant is predicted to alter splicing based on available splicing prediction software (SpliceAI, Jaganathan et al. 2019. PubMed ID: 30661751). However, the use of computer prediction softwares is not equivalent to functional evidence. To our knowledge, this variant has not been reported in the literature or in a large population database (gnomAD), indicating this variant is rare. At this time, the clinical significance of this variant is uncertain due to the absence of conclusive functional and genetic evidence.